The following is an entry in ClinVar:

NM_002439.5(MSH3):c.2843del (p.Gly948fs)

Gene: MSH3 (mutS homolog 3; plus strand). Cytogenetic location: 5q14.1.
Variant type: Deletion.
Coding change: c.2843del on transcript NM_002439.5 (MANE Select); coding-DNA position 2843, one base deleted (G; older notation c.2843delG).
Protein change: p.Gly948fs; shifts the reading frame from glycine 948.
Molecular consequence: frameshift variant.
Genome position (GRCh38, 1-based): chr5:80,854,159, G deleted; the last of 2 consecutive G bases (chr5:80,854,158-80,854,159); deleting either gives the same sequence. VCF-style (leftmost placement, unchanged base first): chr5-80854157-AG-A. GRCh37 (hg19) VCF-style: chr5-80149976-AG-A.
Other names: short protein forms G948fs.
Identifiers: ClinVar variation 4721313 (VCV004721313.1).

ClinVar aggregate classification (germline): Pathogenic (1 of 4 stars; one submission).

Submission:

Labcorp Genetics (formerly Invitae), Labcorp
Classification: Pathogenic. Last evaluated: 2025-06-12. Review status: criteria provided, single submitter. Criteria: Invitae Variant Classification Sherloc (09022015). Collection method: clinical testing. Allele origin: germline.
Comment: This sequence change creates a premature translational stop signal (p.Gly948Aspfs*9) in the MSH3 gene. It is expected to result in an absent or disrupted protein product. Loss-of-function variants in MSH3 are known to be pathogenic (PMID: 27476653, 37402566). This variant is not present in population databases (gnomAD no frequency). This variant has not been reported in the literature in individuals affected with MSH3-related conditions. For these reasons, this variant has been classified as Pathogenic.

Literature cited by the submitters: PubMed 27476653; PubMed 37402566.